The following is an entry in ClinVar:

NM_001854.4(COL11A1):c.2851C>T (p.Arg951Cys)

Gene: COL11A1 (collagen type XI alpha 1 chain; minus strand). Cytogenetic location: 1p21.1.
Variant type: single nucleotide variant.
Coding change: c.2851C>T on transcript NM_001854.4 (MANE Select); coding-DNA position 2851, C replaced by T.
Protein change: p.Arg951Cys; replaces arginine 951 with cysteine.
Molecular consequence: missense variant. On other transcripts: non-coding transcript variant (1).
Genome position (GRCh38, 1-based): chr1:102,970,230, G>A on the plus strand (C>T on the coding strand, the complement: COL11A1 is on the minus strand). VCF-style: chr1-102970230-G-A. GRCh37 (hg19) VCF-style: chr1-103435786-G-A.
Other names: c.2851C>T (NM_001854.3); c.2503C>T, p.Arg835Cys (NM_001168249.1, NM_080630.4); c.2734C>T, p.Arg912Cys (NM_001190709.2); c.2887C>T, p.Arg963Cys (NM_080629.3); short protein forms R951C, R963C, R835C, R912C.
Identifiers: ClinVar variation 2900252 (VCV002900252.4), dbSNP rs1001275411, ClinGen allele CA27699860.

ClinVar aggregate classification (germline): Conflicting classifications of pathogenicity. Review status: criteria provided, conflicting classifications (1 of 4 stars). 2 submissions from 2 submitters: Uncertain significance (1); Likely benign (1). Last evaluated 2025-11-07.

Conditions:
Inborn genetic diseases. Identifiers: MedGen C0950123, MeSH D030342.

Allele frequency attached by ClinVar (database versions not stated): TOPMed 0.00001; gnomAD 0.00001.
gnomAD v4.1: 11 of 1,611,866 alleles (0.00068%); highest among the groups gnomAD compares: Admixed American, 0.0033%; no homozygotes.

Submissions (2):

Ambry Genetics
Classification: Uncertain significance for Inborn genetic diseases. Last evaluated: 2025-11-07. Review status: criteria provided, single submitter. Criteria: Ambry Variant Classification Scheme 2023. Collection method: clinical testing. Allele origin: germline.
Comment: The c.2851C>T (p.R951C) alteration is located in exon 37 (coding exon 37) of the COL11A1 gene. This alteration results from a C to T substitution at nucleotide position 2851, causing the arginine (R) at amino acid position 951 to be replaced by a cysteine (C). Based on data from gnomAD, the T allele has an overall frequency of 0.001% (3/251342) total alleles studied. The highest observed frequency was 0.006% (2/34560) of Latino alleles. Based on insufficient or conflicting evidence, the clinical significance of this alteration remains unclear.

Labcorp Genetics (formerly Invitae), Labcorp
Classification: Likely benign. Last evaluated: 2025-10-31. Review status: criteria provided, single submitter. Criteria: Invitae Variant Classification Sherloc (09022015). Collection method: clinical testing. Allele origin: germline.